The following is an entry in ClinVar:

ClinVar aggregate classification (germline): Conflicting classifications of pathogenicity. Review status: criteria provided, conflicting classifications (1 of 4 stars). 2 submissions from 2 submitters: Uncertain significance (1); Likely benign (1). Last evaluated 2025-11-20.

Conditions:
Primary immunodeficiency with post-measles-mumps-rubella vaccine viral infection. Also called: Immunodeficiency 44. Identifiers: Orphanet 431166, MedGen C4225260, MONDO:0014715, OMIM 616636.

Allele frequency attached by ClinVar (database versions not stated): ExAC 0.00001; gnomAD exomes 0.00002 and 0.00004; gnomAD 0.00006; TOPMed 0.00008; ESP Exome Variant Server 0.00015.
gnomAD v4.1: 80 of 1,614,042 alleles (0.005%); highest among the groups gnomAD compares: African/African-American, 0.012%; no homozygotes.

Submissions (2):

Labcorp Genetics (formerly Invitae), Labcorp
Classification: Likely benign for Primary immunodeficiency with post-measles-mumps-rubella vaccine viral infection. Last evaluated: 2025-11-20. Review status: criteria provided, single submitter. Criteria: Invitae Variant Classification Sherloc (09022015). Collection method: clinical testing. Allele origin: germline.

Baylor Genetics
Classification: Uncertain significance for Primary immunodeficiency with post-measles-mumps-rubella vaccine viral infection. Last evaluated: 2018-07-29. Review status: criteria provided, single submitter. Criteria: ACMG Guidelines, 2015. Collection method: clinical testing. Allele origin: paternal. Affected: yes.
Comment: This variant was determined to be of uncertain significance according to ACMG Guidelines, 2015 [PMID:25741868].

NM_005419.4(STAT2):c.903C>T (p.Asn301=)

Gene: STAT2 (signal transducer and activator of transcription 2; minus strand). Cytogenetic location: 12q13.3.
Variant type: single nucleotide variant.
Coding change: c.903C>T on transcript NM_005419.4 (MANE Select); coding-DNA position 903, C replaced by T.
Protein change: p.Asn301=; no amino-acid change (asparagine 301 retained).
Molecular consequence: synonymous variant.
Genome position (GRCh38, 1-based): chr12:56,351,330, G>A on the plus strand (C>T on the coding strand, the complement: STAT2 is on the minus strand). VCF-style: chr12-56351330-G-A. GRCh37 (hg19) VCF-style: chr12-56745114-G-A.
Other names: c.903C>T, p.Asn301= (LRG_1329t1); c.891C>T, p.Asn297= (NM_198332.2).
Identifiers: ClinVar variation 542349 (VCV000542349.14), dbSNP rs145152331, ClinGen allele CA6630734.